The following is an entry in ClinVar:

NM_003051.4(SLC16A1):c.680ATG[1] (p.Asp228del)

Gene: SLC16A1 (solute carrier family 16 member 1; minus strand). Cytogenetic location: 1p13.2.
Variant type: Microsatellite.
Coding change: c.680ATG[1] on transcript NM_003051.4 (MANE Select); one copy of the 3-base unit ATG starting at c.680; the reference has two copies in a row; one copy, 3 bases deleted.
Protein change: p.Asp228del; deletes aspartic acid 228.
Molecular consequence: inframe deletion.
Genome position (GRCh38, 1-based): chr1:112,917,721-112,917,723, CAT deleted on the plus strand (ATG on the coding strand, the reverse complement: SLC16A1 is on the minus strand); deleting any 3 consecutive bases within chr1:112,917,721-112,917,726 gives the same sequence; the position shown is the placement nearest the transcript's 3' end. VCF-style (leftmost placement, unchanged base first): chr1-112917720-GCAT-G. GRCh37 (hg19) VCF-style: chr1-113460342-GCAT-G.
Other names: c.680ATG[1], p.Asp228del (NM_001166496.2); short protein forms D228del.
Identifiers: ClinVar variation 1981232 (VCV001981232.4), dbSNP rs1349783198, ClinGen allele CA885683474.
Genomic context (GRCh38, chr1:112,917,720, plus strand): 5'-ATTGTTTGGAAGACTGATCGTTTCTCTTGTTTAGGGTGTCTTCCAATAAGATCTGTATTT[GCAT>G]CATGCAGATCTTTTTTCACACCAGATTTTCCAGCTTTCTCAAGGGATGCTTTAGACTTAT-3'

ClinVar aggregate classification (germline): Uncertain significance (1 of 4 stars; one submission).

Submission:

Labcorp Genetics (formerly Invitae), Labcorp
Classification: Uncertain significance. Last evaluated: 2022-08-01. Review status: criteria provided, single submitter. Criteria: Invitae Variant Classification Sherloc (09022015). Collection method: clinical testing. Allele origin: germline.
Comment: This variant has not been reported in the literature in individuals affected with SLC16A1-related conditions. This variant is not present in population databases (gnomAD no frequency). This variant, c.683_685del, results in the deletion of 1 amino acid(s) of the SLC16A1 protein (p.Asp228del), but otherwise preserves the integrity of the reading frame. Experimental studies and prediction algorithms are not available or were not evaluated, and the functional significance of this variant is currently unknown. In summary, the available evidence is currently insufficient to determine the role of this variant in disease. Therefore, it has been classified as a Variant of Uncertain Significance.